The following is an entry in ClinVar:

NM_178857.6(RP1L1):c.3582G>A (p.Thr1194=)

Gene: RP1L1 (RP1 like 1). Cytogenetic location: 8p23.1.
Variant type: single nucleotide variant.
Coding change: c.3582G>A on transcript NM_178857.6 (MANE Select); coding-DNA position 3582, G replaced by A.
Protein change: p.Thr1194=; no amino-acid change (threonine 1194 retained).
Molecular consequence: synonymous variant.
Genome position (GRCh38, 1-based): chr8:10,610,516, C>T on the plus strand (G>A on the coding strand, the complement: RP1L1 is on the minus strand). VCF-style: chr8-10610516-C-T. GRCh37 (hg19) VCF-style: chr8-10468026-C-T.
Other names: c.3582G>A (NM_178857.5).
Identifiers: ClinVar variation 3028002 (VCV003028002.4), dbSNP rs200519322, ClinGen allele CA4624437.

ClinVar aggregate classification (germline): Likely benign. Review status: criteria provided, multiple submitters, no conflicts (2 of 4 stars). 3 submissions from 3 submitters: Likely benign (2). 1 of the submissions does not count toward it. Last evaluated 2023-10-01.

Conditions:
RP1L1-related disorder. Also called: RP1L1-related condition.
Retinal dystrophy. Also called: Inherited retinal dystrophy. Identifiers: Orphanet 71862, MedGen C0854723, MeSH D058499, MONDO:0019118, HP:0000556.

Allele frequency attached by ClinVar (database versions not stated): 1000 Genomes Project 30x 0.00016; 1000 Genomes Project 0.00020.

Submissions (3):

Dept Of Ophthalmology, Nagoya University
Classification: Likely benign for Retinal dystrophy. Last evaluated: 2023-10-01. Review status: criteria provided, single submitter. Criteria: Submitter's publication. Collection method: research. Allele origin: germline. Affected: yes.

Blueprint Genetics
Classification: Likely benign. Last evaluated: 2022-09-09. Review status: criteria provided, single submitter. Criteria: ACMG Guidelines, 2015. Collection method: clinical testing. Allele origin: germline.

PreventionGenetics, part of Exact Sciences
Classification: Likely benign for RP1L1-related condition. Last evaluated: 2019-12-09. Review status: no assertion criteria provided. Collection method: clinical testing. Allele origin: germline. Not counted in ClinVar's aggregate classification.
Comment: This variant is classified as likely benign based on ACMG/AMP sequence variant interpretation guidelines (Richards et al. 2015 PMID: 25741868, with internal and published modifications).